The following is an entry in ClinVar:

ClinVar aggregate classification (germline): Uncertain significance (1 of 4 stars; one submission).

Conditions:
Cystinuria (CSNU). Also called: Cystinuria, non-type I; CYSTINURIA, TYPE I; CYSTINURIA, TYPE II; CYSTINURIA, TYPE III. Identifiers: Orphanet 214, MedGen C0010691, MONDO:0009067, OMIM 220100, HP:0003131.

gnomAD v4.1: 3 of 1,605,446 alleles (0.00019%); highest among the groups gnomAD compares: Non-Finnish European, 0.00026%; no homozygotes.

Submission:

Labcorp Genetics (formerly Invitae), Labcorp
Classification: Uncertain significance for Cystinuria. Last evaluated: 2025-02-19. Review status: criteria provided, single submitter. Criteria: Invitae Variant Classification Sherloc (09022015). Collection method: clinical testing. Allele origin: germline.
Comment: This sequence change replaces isoleucine, which is neutral and non-polar, with valine, which is neutral and non-polar, at codon 145 of the SLC3A1 protein (p.Ile145Val). This variant is not present in population databases (gnomAD no frequency). This variant has not been reported in the literature in individuals affected with SLC3A1-related conditions. An algorithm developed to predict the effect of missense changes on protein structure and function outputs the following: PolyPhen-2: "Possibly Damaging". The valine amino acid residue is found in multiple mammalian species, which suggests that this missense change does not adversely affect protein function. In summary, the available evidence is currently insufficient to determine the role of this variant in disease. Therefore, it has been classified as a Variant of Uncertain Significance.

NM_000341.4(SLC3A1):c.433A>G (p.Ile145Val)

Gene: SLC3A1 (solute carrier family 3 member 1; plus strand). Cytogenetic location: 2p21.
Variant type: single nucleotide variant.
Coding change: c.433A>G on transcript NM_000341.4 (MANE Select); coding-DNA position 433, A replaced by G.
Protein change: p.Ile145Val; replaces isoleucine 145 with valine.
Molecular consequence: missense variant.
Genome position (GRCh38, 1-based): chr2:44,280,718, A>G. VCF-style: chr2-44280718-A-G. GRCh37 (hg19) VCF-style: chr2-44507857-A-G.
Other names: short protein forms I145V.
Identifiers: ClinVar variation 3705081 (VCV003705081.2).